The following is an entry in ClinVar:

NM_004397.6(DDX6):c.1187G>A (p.Arg396Gln)

Gene: DDX6 (DEAD-box helicase 6; minus strand). Cytogenetic location: 11q23.3.
Variant type: single nucleotide variant.
Coding change: c.1187G>A on transcript NM_004397.6 (MANE Select); coding-DNA position 1187, G replaced by A.
Protein change: p.Arg396Gln; replaces arginine 396 with glutamine.
Molecular consequence: missense variant.
Genome position (GRCh38, 1-based): chr11:118,755,491, C>T on the plus strand (G>A on the coding strand, the complement: DDX6 is on the minus strand). VCF-style: chr11-118755491-C-T. GRCh37 (hg19) VCF-style: chr11-118626200-C-T.
Other names: c.1187G>A (NM_001425146.1); c.1187G>A, p.Arg396Gln (NM_001257191.3); short protein forms R396Q.
Identifiers: ClinVar variation 932661 (VCV000932661.43), dbSNP rs1860933779, ClinGen allele CA382887408.
Genomic context (GRCh38, chr11:118,755,491, plus strand): 5'-TCTGCCAGCTTTGGGAAATCAAAGTTTATTACCACATTCACAGCTTGTATATCAATACCT[C>T]GGGTAAACAGATCTTAAAAAAAAAAAGATAATTTTCATTTTTTCAATTTAGAAATGTCTC-3'
Protein context (NP_004388.2, residues 386-406): RNLVCTDLFT[Arg396Gln]GIDIQAVNVV

ClinVar aggregate classification (germline): Pathogenic/Likely pathogenic. Review status: criteria provided, multiple submitters, no conflicts (2 of 4 stars). 3 submissions from 3 submitters: Pathogenic (1); Likely pathogenic (2). Last evaluated 2022-06-06.

Conditions:
Intellectual developmental disorder with impaired language and dysmorphic facies. Identifiers: MedGen C5231444, MONDO:0032851, OMIM 618653.

Submissions (3):

Greenwood Genetic Center Diagnostic Laboratories, Greenwood Genetic Center
Classification: Likely pathogenic for Intellectual developmental disorder with impaired language and dysmorphic facies. Last evaluated: 2022-06-06. Review status: criteria provided, single submitter. Criteria: ACMG Guidelines, 2015. Collection method: clinical testing. Allele origin: germline. Affected: yes.
Comment: PS2, PM2, PP2, PP3

CeGaT Center for Human Genetics Tuebingen
Classification: Pathogenic. Last evaluated: 2020-04-01. Review status: criteria provided, single submitter. Criteria: CeGaT Center For Human Genetics Tuebingen Variant Classification Criteria Version 2. Collection method: clinical testing. Allele origin: germline. Affected: yes. Observed: 3 variant alleles.

Laboratoire de Génétique Moléculaire, CHU Bordeaux
Classification: Likely pathogenic for Intellectual developmental disorder with impaired language and dysmorphic facies. Review status: criteria provided, single submitter. Criteria: ACMG Guidelines, 2015. Collection method: clinical testing. Allele origin: germline. Affected: yes.